The following is an entry in ClinVar:

ClinVar aggregate classification (germline): Uncertain significance. Review status: criteria provided, multiple submitters, no conflicts (2 of 4 stars). 2 submissions from 2 submitters: Uncertain significance (2). Last evaluated 2025-03-31.

Conditions:
Inborn genetic diseases. Identifiers: MedGen C0950123, MeSH D030342.

Submissions (2):

Ambry Genetics
Classification: Uncertain significance for Inborn genetic diseases. Last evaluated: 2025-03-31. Review status: criteria provided, single submitter. Criteria: Ambry Variant Classification Scheme 2023. Collection method: clinical testing. Allele origin: germline.
Comment: The p.S266C variant (also known as c.797C>G), located in coding exon 3 of the MBD4 gene, results from a C to G substitution at nucleotide position 797. The serine at codon 266 is replaced by cysteine, an amino acid with dissimilar properties. This amino acid position is conserved. In addition, this alteration is predicted to be tolerated by in silico analysis. Based on the available evidence, the clinical significance of this variant remains unclear.

Labcorp Genetics (formerly Invitae), Labcorp
Classification: Uncertain significance. Last evaluated: 2024-03-24. Review status: criteria provided, single submitter. Criteria: Invitae Variant Classification Sherloc (09022015). Collection method: clinical testing. Allele origin: germline.
Comment: This sequence change replaces serine, which is neutral and polar, with cysteine, which is neutral and slightly polar, at codon 266 of the MBD4 protein (p.Ser266Cys). This variant is not present in population databases (gnomAD no frequency). This variant has not been reported in the literature in individuals affected with MBD4-related conditions. Algorithms developed to predict the effect of missense changes on protein structure and function output the following: SIFT: "Not Available"; PolyPhen-2: "Benign"; Align-GVGD: "Not Available". The cysteine amino acid residue is found in multiple mammalian species, which suggests that this missense change does not adversely affect protein function. In summary, the available evidence is currently insufficient to determine the role of this variant in disease. Therefore, it has been classified as a Variant of Uncertain Significance.

NM_001276270.2(MBD4):c.797C>G (p.Ser266Cys)

Gene: MBD4 (methyl-CpG binding domain 4, DNA glycosylase; minus strand). Cytogenetic location: 3q21.3.
Variant type: single nucleotide variant.
Coding change: c.797C>G on transcript NM_001276270.2 (MANE Select); coding-DNA position 797, C replaced by G.
Protein change: p.Ser266Cys; replaces serine 266 with cysteine.
Molecular consequence: missense variant. On other transcripts: intron variant (1).
Genome position (GRCh38, 1-based): chr3:129,436,847, G>C on the plus strand (C>G on the coding strand, the complement: MBD4 is on the minus strand). VCF-style: chr3-129436847-G-C. GRCh37 (hg19) VCF-style: chr3-129155690-G-C.
Other names: c.797C>G, p.Ser266Cys (NM_001276271.2, NM_001276272.2, NM_003925.3); c.247+961C>G (NM_001276273.2); short protein forms S266C.
Identifiers: ClinVar variation 3645951 (VCV003645951.3).